The following is an entry in ClinVar:

NM_000204.5(CFI):c.315A>T (p.Thr105=)

Gene: CFI (complement factor I; minus strand). Cytogenetic location: 4q25.
Variant type: single nucleotide variant.
Coding change: c.315A>T on transcript NM_000204.5 (MANE Select); coding-DNA position 315, A replaced by T.
Protein change: p.Thr105=; no amino-acid change (threonine 105 retained).
Molecular consequence: synonymous variant. On other transcripts: non-coding transcript variant (3), intron variant (1).
Genome position (GRCh38, 1-based): chr4:109,766,567, T>A on the plus strand (A>T on the coding strand, the complement: CFI is on the minus strand). VCF-style: chr4-109766567-T-A. GRCh37 (hg19) VCF-style: chr4-110687723-T-A.
Other names: p.Thr105=; c.315A>T, p.Thr105= (NM_001318057.2, NM_001331035.2, NM_001375278.1 and 5 more transcripts); c.-127-4875A>T (NM_001375284.1).
Identifiers: ClinVar variation 347174 (VCV000347174.19), dbSNP rs61745205, ClinGen allele CA3042320.
Genomic context (GRCh38, chr4:109,766,567, plus strand): 5'-ATACCCTTTTATATCATAGAATGACTTGAAAACTAGTCTCTTGCTACCTTCGGCTGTGCA[T>A]GTTCCGTTATTTAAAAACTTTGTCCCTGGATGAAGACATTCCAAACTCTTTTGTTGACAG-3'
Protein context (NP_000195.3, residues 95-115): HPGTKFLNNG[Thr105=]CTAEGKFSVS

ClinVar aggregate classification (germline): Benign. Review status: criteria provided, multiple submitters, no conflicts (2 of 4 stars). 5 submissions from 5 submitters: Benign (5). Last evaluated 2026-01-27.

Conditions:
CFI-related disorder. Also called: CFI-related disorders; CFI-related condition. Identifiers: MedGen CN239325.
Atypical hemolytic-uremic syndrome with I factor anomaly. Also called: HEMOLYTIC UREMIC SYNDROME, ATYPICAL, SUSCEPTIBILITY TO, 3; AHUS, SUSCEPTIBILITY TO, 3. Identifiers: Orphanet 2134, MedGen C2752039, MONDO:0013041, OMIM 612923.

Allele frequency attached by ClinVar (database versions not stated): 1000 Genomes Project 0.00539; TOPMed 0.00561; 1000 Genomes Project 30x 0.00562; ESP Exome Variant Server 0.00577; gnomAD 0.00608.
gnomAD v4.1: 1,564 of 1,614,216 alleles (0.097%); highest among the groups gnomAD compares: African/African-American, 1.8%; 15 homozygotes.

Submissions (5):

Labcorp Genetics (formerly Invitae), Labcorp
Classification: Benign. Last evaluated: 2026-01-27. Review status: criteria provided, single submitter. Criteria: Invitae Variant Classification Sherloc (09022015). Collection method: clinical testing. Allele origin: germline.

Genomenon, Inc
Classification: Benign for CFI-related disorder. Last evaluated: 2025-09-26. Review status: criteria provided, single submitter. Criteria: Genomenon Sequence Variant Interpretation Standards - Updated. Collection method: curation. Allele origin: germline. Affected: no.
Comment: CFI p.Thr105= (c.315A>T) is a missense variant that changes the amino acid at residue 105 from Threonine to Threonine. This variant is present at high allele frequency in population databases. In conclusion, we classify CFI p.Thr105= (c.315A>T) as a benign variant.

Mayo Clinic Laboratories, Mayo Clinic
Classification: Benign. Last evaluated: 2024-04-09. Review status: criteria provided, single submitter. Criteria: ACMG Guidelines, 2015. Collection method: clinical testing. Allele origin: germline. Observed: 46 variant alleles.
Comment: BS1, BS2, BP4, BP7

Genetic Services Laboratory, University of Chicago
Classification: Benign. Last evaluated: 2019-03-26. Review status: criteria provided, single submitter. Criteria: ACMG Guidelines, 2015. Collection method: clinical testing. Allele origin: germline. Affected: no.

Illumina Laboratory Services, Illumina
Classification: Benign for Atypical hemolytic-uremic syndrome with I factor anomaly. Last evaluated: 2018-01-13. Review status: criteria provided, single submitter. Criteria: ICSL Variant Classification Criteria 13 December 2019. Collection method: clinical testing. Allele origin: germline.
Comment: This variant was observed in the ICSL laboratory as part of a predisposition screen in an ostensibly healthy population. It had not been previously curated by ICSL or reported in the Human Gene Mutation Database (HGMD: prior to June 1st, 2018), and was therefore a candidate for classification through an automated scoring system. Utilizing variant allele frequency, disease prevalence and penetrance estimates, and inheritance mode, an automated score was calculated to assess if this variant is too frequent to cause the disease. Based on the score and internal cut-off values, a variant classified as benign is not then subjected to further curation. The score for this variant resulted in a classification of benign for this disease.

Literature cited by the submitters: PubMed 29440240 (cited by Mayo Clinic Laboratories, Mayo Clinic).